The following is an entry in ClinVar:

ClinVar aggregate classification (germline): Conflicting classifications of pathogenicity. Review status: criteria provided, conflicting classifications (1 of 4 stars). 3 submissions from 3 submitters: Uncertain significance (2); Likely benign (1). Last evaluated 2024-11-01.

Conditions:
Transcobalamin II deficiency (TCN2D). Also called: TC II DEFICIENCY; TCN2 DEFICIENCY; Transcolabamin II deficiency. Identifiers: Orphanet 859, MedGen C0342701, MONDO:0010149, OMIM 275350.

Allele frequency attached by ClinVar (database versions not stated): ESP Exome Variant Server 0.00008; gnomAD 0.00008 and 0.00011; TOPMed 0.00008; 1000 Genomes Project 30x 0.00016; ExAC 0.00016; 1000 Genomes Project 0.00020.

Submissions (3):

CeGaT Center for Human Genetics Tuebingen
Classification: Likely benign. Last evaluated: 2024-11-01. Review status: criteria provided, single submitter. Criteria: CeGaT Center For Human Genetics Tuebingen Variant Classification Criteria Version 2. Collection method: clinical testing. Allele origin: germline. Affected: yes. Observed: 1 variant allele.
Comment: TCN2: BS2

Blueprint Genetics
Classification: Uncertain significance. Last evaluated: 2024-09-23. Review status: criteria provided, single submitter. Criteria: ACMG Guidelines, 2015. Collection method: clinical testing. Allele origin: germline.

Labcorp Genetics (formerly Invitae), Labcorp
Classification: Uncertain significance for Transcobalamin II deficiency. Last evaluated: 2022-10-26. Review status: criteria provided, single submitter. Criteria: Invitae Variant Classification Sherloc (09022015). Collection method: clinical testing. Allele origin: germline.
Comment: This sequence change replaces asparagine, which is neutral and polar, with lysine, which is basic and polar, at codon 285 of the TCN2 protein (p.Asn285Lys). This variant is present in population databases (rs376839271, gnomAD 0.07%). This missense change has been observed in individual(s) with cobalamin deficiency (PMID: 27155006). ClinVar contains an entry for this variant (Variation ID: 859052). Advanced modeling of protein sequence and biophysical properties (such as structural, functional, and spatial information, amino acid conservation, physicochemical variation, residue mobility, and thermodynamic stability) performed at Invitae indicates that this missense variant is expected to disrupt TCN2 protein function. In summary, the available evidence is currently insufficient to determine the role of this variant in disease. Therefore, it has been classified as a Variant of Uncertain Significance.

Literature cited by the submitters: PubMed 27155006 (cited by Labcorp Genetics (formerly Invitae), Labcorp).

NM_000355.4(TCN2):c.855T>A (p.Asn285Lys)

Gene: TCN2 (transcobalamin 2; plus strand). Cytogenetic location: 22q12.2.
Variant type: single nucleotide variant.
Coding change: c.855T>A on transcript NM_000355.4 (MANE Select); coding-DNA position 855, T replaced by A.
Protein change: p.Asn285Lys; replaces asparagine 285 with lysine.
Molecular consequence: missense variant.
Genome position (GRCh38, 1-based): chr22:30,615,702, T>A. VCF-style: chr22-30615702-T-A. GRCh37 (hg19) VCF-style: chr22-31011689-T-A.
Other names: c.774T>A, p.Asn258Lys (NM_001184726.2); short protein forms N285K, N258K.
Identifiers: ClinVar variation 859052 (VCV000859052.20), dbSNP rs376839271, ClinGen allele CA10184860.